The following is an entry in ClinVar:

ClinVar aggregate classification (germline): Uncertain significance (1 of 4 stars; one submission).

Conditions:
Gastrointestinal stromal tumor. Also called: Gastrointestinal stromal tumor, somatic; Gastrointestinal stroma tumor. Identifiers: Orphanet 44890, MedGen C0238198, MeSH D046152, MONDO:0011719, OMIM 606764, HP:0100723.

Submission:

Labcorp Genetics (formerly Invitae), Labcorp
Classification: Uncertain significance for Gastrointestinal stromal tumor. Last evaluated: 2024-07-11. Review status: criteria provided, single submitter. Criteria: Invitae Variant Classification Sherloc (09022015). Collection method: clinical testing. Allele origin: germline.
Comment: This sequence change replaces asparagine, which is neutral and polar, with serine, which is neutral and polar, at codon 649 of the KIT protein (p.Asn649Ser). This variant is not present in population databases (gnomAD no frequency). This variant has not been reported in the literature in individuals affected with KIT-related conditions. ClinVar contains an entry for this variant (Variation ID: 942333). An algorithm developed to predict the effect of missense changes on protein structure and function (PolyPhen-2) suggests that this variant is likely to be disruptive. In summary, the available evidence is currently insufficient to determine the role of this variant in disease. Therefore, it has been classified as a Variant of Uncertain Significance.

NM_000222.3(KIT):c.1946A>G (p.Asn649Ser)

Gene: KIT (KIT proto-oncogene, receptor tyrosine kinase; plus strand). Cytogenetic location: 4q12.
Variant type: single nucleotide variant.
Coding change: c.1946A>G on transcript NM_000222.3 (MANE Select); coding-DNA position 1946, A replaced by G.
Protein change: p.Asn649Ser; replaces asparagine 649 with serine.
Molecular consequence: missense variant.
Genome position (GRCh38, 1-based): chr4:54,728,077, A>G. VCF-style: chr4-54728077-A-G. GRCh37 (hg19) VCF-style: chr4-55594243-A-G.
Other names: c.1934A>G, p.Asn645Ser (NM_001093772.2, NM_001385286.1); c.1949A>G, p.Asn650Ser (NM_001385284.1, NM_001385290.1); c.1946A>G, p.Asn649Ser (NM_001385285.1); c.1937A>G, p.Asn646Ser (NM_001385288.1, NM_001385292.1); short protein forms N645S, N649S, N646S, N650S.
Identifiers: ClinVar variation 942333 (VCV000942333.10), dbSNP rs1722355003, ClinGen allele CA356908706.